The following is an entry in ClinVar:

ClinVar aggregate classification (germline): Likely benign (0 of 4 stars; one submission).

Conditions:
HMX2-related disorder. Also called: HMX2-related condition.

Allele frequency attached by ClinVar (database versions not stated): gnomAD exomes 0.00011; ExAC 0.00051; 1000 Genomes Project 0.00160; ESP Exome Variant Server 0.00164; gnomAD 0.00169; 1000 Genomes Project 30x 0.00172; TOPMed 0.00181.

Submission:

PreventionGenetics, part of Exact Sciences
Classification: Likely benign for HMX2-related condition. Last evaluated: 2019-07-12. Review status: no assertion criteria provided. Collection method: clinical testing. Allele origin: germline.
Comment: This variant is classified as likely benign based on ACMG/AMP sequence variant interpretation guidelines (Richards et al. 2015 PMID: 25741868, with internal and published modifications).

NM_005519.2(HMX2):c.342G>A (p.Ser114=)

Gene: HMX2 (H6 family homeobox 2; plus strand). Cytogenetic location: 10q26.13.
Variant type: single nucleotide variant.
Coding change: c.342G>A on transcript NM_005519.2 (MANE Select); coding-DNA position 342, G replaced by A.
Protein change: p.Ser114=; no amino-acid change (serine 114 retained).
Molecular consequence: synonymous variant.
Genome position (GRCh38, 1-based): chr10:123,149,643, G>A. VCF-style: chr10-123149643-G-A. GRCh37 (hg19) VCF-style: chr10-124909159-G-A.
Identifiers: ClinVar variation 3050215 (VCV003050215.2), dbSNP rs74546946, ClinGen allele CA5731342.